The following is an entry in ClinVar:

ClinVar aggregate classification (germline): Uncertain significance (1 of 4 stars; one submission).

Conditions:
Hereditary cancer-predisposing syndrome. Also called: Neoplastic Syndromes, Hereditary; Tumor predisposition; Hereditary Cancer Syndrome; Hereditary neoplastic syndrome. Identifiers: Orphanet 140162, MedGen C0027672, MeSH D009386, MONDO:0015356.

Allele frequency attached by ClinVar (database versions not stated): gnomAD exomes below 0.00001.
gnomAD v4.1: 1 of 1,612,754 alleles (0.000062%); highest among the groups gnomAD compares: Non-Finnish European, 0.000085%; no homozygotes.

Submission:

Ambry Genetics
Classification: Uncertain significance for Hereditary cancer-predisposing syndrome. Last evaluated: 2025-10-23. Review status: criteria provided, single submitter. Criteria: Ambry Variant Classification Scheme 2023. Collection method: clinical testing. Allele origin: germline.
Comment: The p.F25L variant (also known as c.73T>C), located in coding exon 1 of the STK11 gene, results from a T to C substitution at nucleotide position 73. The phenylalanine at codon 25 is replaced by leucine, an amino acid with highly similar properties. This amino acid position is highly conserved in available vertebrate species. In addition, the in silico prediction for this alteration is inconclusive. Since supporting evidence is limited at this time, the clinical significance of this alteration remains unclear.

NM_000455.5(STK11):c.73T>C (p.Phe25Leu)

Gene: STK11 (serine/threonine kinase 11; plus strand). Cytogenetic location: 19p13.3.
Variant type: single nucleotide variant.
Coding change: c.73T>C on transcript NM_000455.5 (MANE Select); coding-DNA position 73, T replaced by C.
Protein change: p.Phe25Leu; replaces phenylalanine 25 with leucine.
Molecular consequence: missense variant.
Genome position (GRCh38, 1-based): chr19:1,206,986, T>C. VCF-style: chr19-1206986-T-C. GRCh37 (hg19) VCF-style: chr19-1206985-T-C.
Other names: c.73T>C, p.Phe25Leu (NM_001407255.1); short protein forms F25L.
Identifiers: ClinVar variation 1758741 (VCV001758741.4), dbSNP rs2145404749, ClinGen allele CA402943494.